The following is an entry in ClinVar:

ClinVar aggregate classification (germline): Uncertain significance (1 of 4 stars; one submission).

Conditions:
Autosomal recessive distal spinal muscular atrophy 1. Also called: NEURONOPATHY, DISTAL HEREDITARY MOTOR, HARDING TYPE VI; NEUROPATHY, DISTAL HEREDITARY MOTOR, AUTOSOMAL RECESSIVE 1; SEVERE INFANTILE AXONAL NEUROPATHY WITH RESPIRATORY FAILURE; SPINAL MUSCULAR ATROPHY, DIAPHRAGMATIC; HMN VI; NEURONOPATHY, SEVERE INFANTILE AXONAL, WITH RESPIRATORY FAILURE. Identifiers: Orphanet 98920, MedGen C1858517, MONDO:0011436, OMIM 604320.
Charcot-Marie-Tooth disease axonal type 2S. Also called: CHARCOT-MARIE-TOOTH DISEASE, AXONAL, AUTOSOMAL RECESSIVE, TYPE 2S; CHARCOT-MARIE-TOOTH NEUROPATHY, TYPE 2S. Identifiers: Orphanet 443073, MedGen C4015349, MONDO:0014511, OMIM 616155.

Allele frequency attached by ClinVar (database versions not stated): TOPMed below 0.00001; gnomAD exomes 0.00002; ExAC 0.00005.
gnomAD v4.1: 32 of 1,609,156 alleles (0.002%); highest among the groups gnomAD compares: Non-Finnish European, 0.0025%; no homozygotes.

Submission:

Labcorp Genetics (formerly Invitae), Labcorp
Classification: Uncertain significance for Autosomal recessive distal spinal muscular atrophy 1; Charcot-Marie-Tooth disease axonal type 2S. Last evaluated: 2021-08-30. Review status: criteria provided, single submitter. Criteria: Invitae Variant Classification Sherloc (09022015). Collection method: clinical testing. Allele origin: germline.
Comment: This sequence change replaces leucine with valine at codon 543 of the IGHMBP2 protein (p.Leu543Val). The leucine residue is moderately conserved and there is a small physicochemical difference between leucine and valine. This variant is present in population databases (rs772592429, ExAC 0.02%). This variant has not been reported in the literature in individuals affected with IGHMBP2-related conditions. Algorithms developed to predict the effect of missense changes on protein structure and function are either unavailable or do not agree on the potential impact of this missense change (SIFT: "Tolerated"; PolyPhen-2: "Probably Damaging"; Align-GVGD: "Class C0"). In summary, the available evidence is currently insufficient to determine the role of this variant in disease. Therefore, it has been classified as a Variant of Uncertain Significance.

NM_002180.3(IGHMBP2):c.1627C>G (p.Leu543Val)

Genes: IGHMBP2 (immunoglobulin mu DNA binding protein 2; plus strand), LOC126861245 (CDK7 strongly-dependent group 2 enhancer GRCh37_chr11:68701479-68702678; plus strand). Cytogenetic location: 11q13.3.
Variant type: single nucleotide variant.
Coding change: c.1627C>G on transcript NM_002180.3 (MANE Select); coding-DNA position 1627, C replaced by G.
Protein change: p.Leu543Val; replaces leucine 543 with valine.
Molecular consequence: missense variant.
Genome position (GRCh38, 1-based): chr11:68,934,553, C>G. VCF-style: chr11-68934553-C-G. GRCh37 (hg19) VCF-style: chr11-68702021-C-G.
Other names: short protein forms L543V.
Identifiers: ClinVar variation 641773 (VCV000641773.8), dbSNP rs772592429, ClinGen allele CA6153718.